The following is an entry in ClinVar:

ClinVar aggregate classification (germline): Uncertain significance. Review status: criteria provided, multiple submitters, no conflicts (2 of 4 stars). 2 submissions from 2 submitters: Uncertain significance (2). Last evaluated 2025-04-11.

Conditions:
Inborn genetic diseases. Identifiers: MedGen C0950123, MeSH D030342.

Allele frequency attached by ClinVar (database versions not stated): gnomAD 0.00003; ExAC 0.00001; TOPMed 0.00002.
gnomAD v4.1: 8 of 1,614,078 alleles (0.0005%); highest among the groups gnomAD compares: African/African-American, 0.0093%; no homozygotes.

Submissions (2):

Ambry Genetics
Classification: Uncertain significance for Inborn genetic diseases. Last evaluated: 2025-04-11. Review status: criteria provided, single submitter. Criteria: Ambry Variant Classification Scheme 2023. Collection method: clinical testing. Allele origin: germline.

Labcorp Genetics (formerly Invitae), Labcorp
Classification: Uncertain significance. Last evaluated: 2024-01-17. Review status: criteria provided, single submitter. Criteria: Invitae Variant Classification Sherloc (09022015). Collection method: clinical testing. Allele origin: germline.
Comment: This sequence change replaces glutamic acid, which is acidic and polar, with aspartic acid, which is acidic and polar, at codon 269 of the RDH5 protein (p.Glu269Asp). This variant is present in population databases (rs775260841, gnomAD 0.007%). This variant has not been reported in the literature in individuals affected with RDH5-related conditions. ClinVar contains an entry for this variant (Variation ID: 1960396). Advanced modeling of protein sequence and biophysical properties (such as structural, functional, and spatial information, amino acid conservation, physicochemical variation, residue mobility, and thermodynamic stability) performed at Invitae indicates that this missense variant is expected to disrupt RDH5 protein function with a positive predictive value of 80%. In summary, the available evidence is currently insufficient to determine the role of this variant in disease. Therefore, it has been classified as a Variant of Uncertain Significance.

NM_002905.5(RDH5):c.807G>T (p.Glu269Asp)

Genes: BLOC1S1-RDH5 (BLOC1S1-RDH5 readthrough; plus strand), CD63 (CD63 molecule; minus strand), RDH5 (retinol dehydrogenase 5; plus strand). Cytogenetic location: 12q13.2.
Variant type: single nucleotide variant.
Coding change: c.807G>T on transcript NM_002905.5 (MANE Select); coding-DNA position 807, G replaced by T.
Protein change: p.Glu269Asp; replaces glutamic acid 269 with aspartic acid.
Molecular consequence: missense variant. On other transcripts: non-coding transcript variant (1), 3 prime UTR variant (2).
Genome position (GRCh38, 1-based): chr12:55,724,395, G>T. VCF-style: chr12-55724395-G-T. GRCh37 (hg19) VCF-style: chr12-56118179-G-T.
Other names: c.807G>T, p.Glu269Asp (NM_001199771.3); c.*669C>A (NM_001413284.1); c.*684C>A (NM_001413285.1); short protein forms E269D.
Identifiers: ClinVar variation 1960396 (VCV001960396.6), dbSNP rs775260841, ClinGen allele CA6616964.